The following is an entry in ClinVar:

ClinVar aggregate classification (germline): Uncertain significance. Review status: criteria provided, multiple submitters, no conflicts (2 of 4 stars). 3 submissions from 3 submitters: Uncertain significance (3). Last evaluated 2025-03-27.

Conditions:
Inborn genetic diseases. Identifiers: MedGen C0950123, MeSH D030342.

Allele frequency attached by ClinVar (database versions not stated): gnomAD exomes 0.00002; TOPMed 0.00002; gnomAD 0.00003; ExAC 0.00006.
gnomAD v4.1: 33 of 1,612,350 alleles (0.002%); highest among the groups gnomAD compares: South Asian, 0.0044%; no homozygotes.

Submissions (3):

Ambry Genetics
Classification: Uncertain significance for Inborn genetic diseases. Last evaluated: 2025-03-27. Review status: criteria provided, single submitter. Criteria: Ambry Variant Classification Scheme 2023. Collection method: clinical testing. Allele origin: germline.

Labcorp Genetics (formerly Invitae), Labcorp
Classification: Uncertain significance. Last evaluated: 2022-04-20. Review status: criteria provided, single submitter. Criteria: Invitae Variant Classification Sherloc (09022015). Collection method: clinical testing. Allele origin: germline.
Comment: Algorithms developed to predict the effect of sequence changes on RNA splicing suggest that this variant may create or strengthen a splice site. Algorithms developed to predict the effect of missense changes on protein structure and function are either unavailable or do not agree on the potential impact of this missense change (SIFT: "Deleterious"; PolyPhen-2: "Benign"; Align-GVGD: "Class C55"). This variant has not been reported in the literature in individuals affected with ADAMTS10-related conditions. This variant is present in population databases (rs782780252, gnomAD 0.01%). This sequence change replaces glycine, which is neutral and non-polar, with serine, which is neutral and polar, at codon 702 of the ADAMTS10 protein (p.Gly702Ser). In summary, the available evidence is currently insufficient to determine the role of this variant in disease. Therefore, it has been classified as a Variant of Uncertain Significance.

Blueprint Genetics
Classification: Uncertain significance. Last evaluated: 2021-11-11. Review status: criteria provided, single submitter. Criteria: ACMG Guidelines, 2015. Collection method: clinical testing. Allele origin: germline.

NM_030957.4(ADAMTS10):c.2104G>A (p.Gly702Ser)

Gene: ADAMTS10 (ADAM metallopeptidase with thrombospondin type 1 motif 10; minus strand). Cytogenetic location: 19p13.2.
Variant type: single nucleotide variant.
Coding change: c.2104G>A on transcript NM_030957.4 (MANE Select); coding-DNA position 2104, G replaced by A.
Protein change: p.Gly702Ser; replaces glycine 702 with serine.
Molecular consequence: missense variant.
Genome position (GRCh38, 1-based): chr19:8,589,296, C>T on the plus strand (G>A on the coding strand, the complement: ADAMTS10 is on the minus strand). VCF-style: chr19-8589296-C-T. GRCh37 (hg19) VCF-style: chr19-8654180-C-T.
Other names: c.565G>A, p.Gly189Ser (NM_001282352.2); c.2104G>A (NM_030957.2); short protein forms G189S, G702S.
Identifiers: ClinVar variation 1961030 (VCV001961030.7), dbSNP rs782780252, ClinGen allele CA9160224.